The following is an entry in ClinVar:

ClinVar aggregate classification (germline): Uncertain significance (1 of 4 stars; one submission).

Conditions:
KBG syndrome (KBGS). Also called: ANKRD11-Related KBG Syndrome. Identifiers: Orphanet 2332, MedGen C0220687, MONDO:0007846, OMIM 148050.

gnomAD v4.1: 25 of 1,614,124 alleles (0.0015%); highest among the groups gnomAD compares: Admixed American, 0.0067%; no homozygotes.

Submission:

Labcorp Genetics (formerly Invitae), Labcorp
Classification: Uncertain significance for KBG syndrome. Last evaluated: 2024-07-20. Review status: criteria provided, single submitter. Criteria: Invitae Variant Classification Sherloc (09022015). Collection method: clinical testing. Allele origin: germline.
Comment: This sequence change replaces lysine, which is basic and polar, with asparagine, which is neutral and polar, at codon 1428 of the ANKRD11 protein (p.Lys1428Asn). This variant is present in population databases (rs761134136, gnomAD 0.003%). This variant has not been reported in the literature in individuals affected with ANKRD11-related conditions. Advanced modeling of protein sequence and biophysical properties (such as structural, functional, and spatial information, amino acid conservation, physicochemical variation, residue mobility, and thermodynamic stability) performed at Invitae indicates that this missense variant is not expected to disrupt ANKRD11 protein function with a negative predictive value of 95%. In summary, the available evidence is currently insufficient to determine the role of this variant in disease. Therefore, it has been classified as a Variant of Uncertain Significance.

NM_013275.6(ANKRD11):c.4284A>C (p.Lys1428Asn)

Gene: ANKRD11 (ankyrin repeat domain 11; minus strand). Cytogenetic location: 16q24.3.
Variant type: single nucleotide variant.
Coding change: c.4284A>C on transcript NM_013275.6 (MANE Select); coding-DNA position 4284, A replaced by C.
Protein change: p.Lys1428Asn; replaces lysine 1428 with asparagine.
Molecular consequence: missense variant.
Genome position (GRCh38, 1-based): chr16:89,282,258, T>G on the plus strand (A>C on the coding strand, the complement: ANKRD11 is on the minus strand). VCF-style: chr16-89282258-T-G. GRCh37 (hg19) VCF-style: chr16-89348666-T-G.
Other names: c.4284A>C, p.Lys1428Asn (NM_001256182.2, NM_001256183.2); short protein forms K1428N.
Identifiers: ClinVar variation 3626489 (VCV003626489.2).